The following is an entry in ClinVar:

NM_198576.4(AGRN):c.3544G>A (p.Val1182Ile)

Gene: AGRN (agrin; plus strand). Cytogenetic location: 1p36.33.
Variant type: single nucleotide variant.
Coding change: c.3544G>A on transcript NM_198576.4 (MANE Select); coding-DNA position 3544, G replaced by A.
Protein change: p.Val1182Ile; replaces valine 1182 with isoleucine.
Molecular consequence: missense variant.
Genome position (GRCh38, 1-based): chr1:1,047,600, G>A. VCF-style: chr1-1047600-G-A. GRCh37 (hg19) VCF-style: chr1-982980-G-A.
Other names: c.3544G>A, p.Val1182Ile (NM_001305275.2); c.3229G>A, p.Val1077Ile (NM_001364727.2); c.3544G>A (NM_198576.3); short protein forms V1077I, V1182I.
Identifiers: ClinVar variation 1016414 (VCV001016414.6), dbSNP rs748783998, ClinGen allele CA509135.

ClinVar aggregate classification (germline): Uncertain significance. Review status: criteria provided, multiple submitters, no conflicts (2 of 4 stars). 2 submissions from 2 submitters: Uncertain significance (2). Last evaluated 2024-01-31.

Conditions:
Inborn genetic diseases. Identifiers: MedGen C0950123, MeSH D030342.
Congenital myasthenic syndrome 8. Also called: MYASTHENIC SYNDROME, CONGENITAL, DUE TO AGRIN DEFICIENCY; Myasthenic syndrome, congenital, 8, with pre- and postsynaptic defects. Identifiers: Orphanet 590, MedGen C3808739, MONDO:0014052, OMIM 615120.

Allele frequency attached by ClinVar (database versions not stated): ExAC 0.00002; gnomAD 0.00004; TOPMed 0.00005; gnomAD exomes 0.00003.
gnomAD v4.1: 53 of 1,612,862 alleles (0.0033%); highest among the groups gnomAD compares: Admixed American, 0.025%; no homozygotes.

Submissions (2):

Ambry Genetics
Classification: Uncertain significance for Inborn genetic diseases. Last evaluated: 2024-01-31. Review status: criteria provided, single submitter. Criteria: Ambry Variant Classification Scheme 2023. Collection method: clinical testing. Allele origin: germline.

Labcorp Genetics (formerly Invitae), Labcorp
Classification: Uncertain significance for Congenital myasthenic syndrome 8. Last evaluated: 2022-03-13. Review status: criteria provided, single submitter. Criteria: Invitae Variant Classification Sherloc (09022015). Collection method: clinical testing. Allele origin: germline.
Comment: This sequence change replaces valine, which is neutral and non-polar, with isoleucine, which is neutral and non-polar, at codon 1182 of the AGRN protein (p.Val1182Ile). This variant is present in population databases (rs748783998, gnomAD 0.01%). This variant has not been reported in the literature in individuals affected with AGRN-related conditions. ClinVar contains an entry for this variant (Variation ID: 1016414). Algorithms developed to predict the effect of missense changes on protein structure and function are either unavailable or do not agree on the potential impact of this missense change (SIFT: "Tolerated"; PolyPhen-2: "Possibly Damaging"; Align-GVGD: "Class C0"). In summary, the available evidence is currently insufficient to determine the role of this variant in disease. Therefore, it has been classified as a Variant of Uncertain Significance.